The following is an entry in ClinVar:

ClinVar aggregate classification (germline): Benign/Likely benign. Review status: criteria provided, multiple submitters, no conflicts (2 of 4 stars). 2 submissions from 2 submitters: Benign (1); Likely benign (1). Last evaluated 2025-12-07.

Allele frequency attached by ClinVar (database versions not stated): TOPMed 0.00017; gnomAD 0.00018; ExAC 0.00029; ESP Exome Variant Server 0.00054.
gnomAD v4.1: 289 of 1,614,036 alleles (0.018%); highest among the groups gnomAD compares: African/African-American, 0.011%; 1 homozygote.

Submissions (2):

Labcorp Genetics (formerly Invitae), Labcorp
Classification: Benign. Last evaluated: 2025-12-07. Review status: criteria provided, single submitter. Criteria: Invitae Variant Classification Sherloc (09022015). Collection method: clinical testing. Allele origin: germline.

CeGaT Center for Human Genetics Tuebingen
Classification: Likely benign. Last evaluated: 2023-11-01. Review status: criteria provided, single submitter. Criteria: CeGaT Center For Human Genetics Tuebingen Variant Classification Criteria Version 2. Collection method: clinical testing. Allele origin: germline. Affected: yes. Observed: 1 variant allele.
Comment: DNAH9: BP4, BP7

NM_001372.4(DNAH9):c.9567C>T (p.Ser3189=)

Gene: DNAH9 (dynein axonemal heavy chain 9; plus strand). Cytogenetic location: 17p12.
Variant type: single nucleotide variant.
Coding change: c.9567C>T on transcript NM_001372.4 (MANE Select); coding-DNA position 9567, C replaced by T.
Protein change: p.Ser3189=; no amino-acid change (serine 3189 retained).
Molecular consequence: synonymous variant.
Genome position (GRCh38, 1-based): chr17:11,854,062, C>T. VCF-style: chr17-11854062-C-T. GRCh37 (hg19) VCF-style: chr17-11757379-C-T.
Identifiers: ClinVar variation 2167341 (VCV002167341.27), dbSNP rs147124932, ClinGen allele CA8397263.